The following is an entry in ClinVar:

ClinVar aggregate classification (germline): Uncertain significance (1 of 4 stars; one submission).

Conditions:
Symmetrical dyschromatosis of extremities (DSH). Also called: Dyschromatosis symmetrica hereditaria; RETICULATE ACROPIGMENTATION OF DOHI; SYMMETRIC DYSCHROMATOSIS OF THE EXTREMITIES; DYSCHROMATOSIS SYMMETRICA HEREDITARIA 1. Identifiers: Orphanet 41, MedGen C0406775, MONDO:0007483, OMIM 127400.
Aicardi-Goutieres syndrome 6 (AGS6). Identifiers: Orphanet 51, MedGen C3539013, MONDO:0014007, OMIM 615010.

Submission:

Labcorp Genetics (formerly Invitae), Labcorp
Classification: Uncertain significance for Aicardi-Goutieres syndrome 6; Symmetrical dyschromatosis of extremities. Last evaluated: 2022-08-23. Review status: criteria provided, single submitter. Criteria: Invitae Variant Classification Sherloc (09022015). Collection method: clinical testing. Allele origin: germline.
Comment: This variant is not present in population databases (gnomAD no frequency). In summary, the available evidence is currently insufficient to determine the role of this variant in disease. Therefore, it has been classified as a Variant of Uncertain Significance. Algorithms developed to predict the effect of missense changes on protein structure and function are either unavailable or do not agree on the potential impact of this missense change (SIFT: "Deleterious"; PolyPhen-2: "Benign"; Align-GVGD: "Class C0"). This variant has not been reported in the literature in individuals affected with ADAR-related conditions. This sequence change replaces serine, which is neutral and polar, with leucine, which is neutral and non-polar, at codon 491 of the ADAR protein (p.Ser491Leu).

NM_001111.5(ADAR):c.1472C>T (p.Ser491Leu)

Gene: ADAR (adenosine deaminase RNA specific; minus strand). Cytogenetic location: 1q21.3.
Variant type: single nucleotide variant.
Coding change: c.1472C>T on transcript NM_001111.5 (MANE Select); coding-DNA position 1472, C replaced by T.
Protein change: p.Ser491Leu; replaces serine 491 with leucine.
Molecular consequence: missense variant.
Genome position (GRCh38, 1-based): chr1:154,601,170, G>A on the plus strand (C>T on the coding strand, the complement: ADAR is on the minus strand). VCF-style: chr1-154601170-G-A. GRCh37 (hg19) VCF-style: chr1-154573646-G-A.
Other names: c.587C>T, p.Ser196Leu (NM_001025107.3, NM_001193495.2, NM_001365046.1 and 3 more transcripts); c.1499C>T, p.Ser500Leu (NM_001365045.1); c.1472C>T, p.Ser491Leu (NM_015840.4, NM_015841.4); short protein forms S196L, S491L, S500L.
Identifiers: ClinVar variation 1716248 (VCV001716248.5), dbSNP rs2526646702, ClinGen allele CA342596203.